The following is an entry in ClinVar:

ClinVar aggregate classification (germline): Pathogenic. Review status: criteria provided, multiple submitters, no conflicts (2 of 4 stars). 2 submissions from 2 submitters: Pathogenic (2). Last evaluated 2024-08-21.

Conditions:
Coffin-Siris syndrome 1 (CSS1). Also called: Mental retardation, autosomal dominant 12; ARID1B-Related Coffin-Siris Syndrome. Identifiers: Orphanet 1465, MedGen C3281201, MONDO:0007617, OMIM 135900. Disease mechanism: gain of function.

Submissions (2):

ARUP Laboratories, Molecular Genetics and Genomics, ARUP Laboratories
Classification: Pathogenic for Coffin-Siris syndrome 1. Last evaluated: 2024-08-21. Review status: criteria provided, single submitter. Criteria: ARUP Molecular Germline Variant Investigation Process 2024. Collection method: clinical testing. Allele origin: germline.
Comment: The ARID1B c.1021C>T; p.Gln341Ter variant, to our knowledge, is not reported in the medical literature but is reported in ClinVar (Variation ID: 2845792). This variant is also absent from the Genome Aggregation Database (v2.1.1), indicating it is not a common polymorphism. This variant induces an early termination codon and is predicted to result in a truncated protein or mRNA subject to nonsense-mediated decay. Other truncating variants in this exon have been reported in individuals with Coffin-Siris syndrome and ARID1B related intellectual disability and are considered pathogenic (Sim 2015, van der Sluijs 2019). Based on available information, this variant is considered to be pathogenic. References: Sim JC et al. ARID1B-mediated disorders: Mutations and possible mechanisms. Intractable Rare Dis Res. 2015 Feb;4(1):17-23. PMID: 25674384. van der Sluijs PJ et al. The ARID1B spectrum in 143 patients: from nonsyndromic intellectual disability to Coffin-Siris syndrome. Genet Med. 2019 Jun;21(6):1295-1307. PMID: 30349098.

Labcorp Genetics (formerly Invitae), Labcorp
Classification: Pathogenic. Last evaluated: 2023-10-13. Review status: criteria provided, single submitter. Criteria: Invitae Variant Classification Sherloc (09022015). Collection method: clinical testing. Allele origin: germline.
Comment: This sequence change creates a premature translational stop signal (p.Gln258*) in the ARID1B gene. It is expected to result in an absent or disrupted protein product. Loss-of-function variants in ARID1B are known to be pathogenic (PMID: 25674384, 30349098). This variant is not present in population databases (gnomAD no frequency). This variant has not been reported in the literature in individuals affected with ARID1B-related conditions. For these reasons, this variant has been classified as Pathogenic.

Literature cited by the submitters: PubMed 25674384 (cited by Labcorp Genetics (formerly Invitae), Labcorp); PubMed 30349098 (cited by Labcorp Genetics (formerly Invitae), Labcorp).

NM_001374828.1(ARID1B):c.1021C>T (p.Gln341Ter)

Gene: ARID1B (AT-rich interaction domain 1B; plus strand). Cytogenetic location: 6q25.3.
Variant type: single nucleotide variant.
Coding change: c.1021C>T on transcript NM_001374828.1 (MANE Select); coding-DNA position 1021, C replaced by T.
Protein change: p.Gln341Ter; replaces glutamine 341 with a stop codon.
Molecular consequence: nonsense.
Genome position (GRCh38, 1-based): chr6:156,778,701, C>T. VCF-style: chr6-156778701-C-T. GRCh37 (hg19) VCF-style: chr6-157099835-C-T.
Other names: c.772C>T, p.Gln258Ter (NM_001346813.1, NM_020732.3); c.1021C>T, p.Gln341Ter (NM_001371656.1, NM_001374820.1, NM_017519.3); c.598C>T, p.Gln200Ter (NM_175863.2); short protein forms Q341*, Q200*, Q258*.
Identifiers: ClinVar variation 2845792 (VCV002845792.4), dbSNP rs1778885211, ClinGen allele CA366382827.